The following is an entry in ClinVar:

NM_001414.4(EIF2B1):c.41dup (p.Met14fs)

Gene: EIF2B1 (eukaryotic translation initiation factor 2B subunit alpha; minus strand). Cytogenetic location: 12q24.31.
Variant type: Duplication.
Coding change: c.41dup on transcript NM_001414.4 (MANE Select); coding-DNA position 41, one base duplicated (T; older notation c.41dupT).
Protein change: p.Met14fs; shifts the reading frame from methionine 14.
Molecular consequence: frameshift variant.
Genome position (GRCh38, 1-based): chr12:123,632,419, A duplicated on the plus strand (T on the coding strand, the reverse complement: EIF2B1 is on the minus strand). VCF-style (leftmost placement, unchanged base first): chr12-123632418-C-CA. GRCh37 (hg19) VCF-style: chr12-124116965-C-CA.
Other names: short protein forms M14fs.
Identifiers: ClinVar variation 2858770 (VCV002858770.3), dbSNP rs1486630796, ClinGen allele CA608088383.

ClinVar aggregate classification (germline): Pathogenic (1 of 4 stars; one submission).

Allele frequency attached by ClinVar (database versions not stated): gnomAD exomes below 0.00001; TOPMed below 0.00001; gnomAD 0.00001.

Submission:

Labcorp Genetics (formerly Invitae), Labcorp
Classification: Pathogenic. Last evaluated: 2023-04-24. Review status: criteria provided, single submitter. Criteria: Invitae Variant Classification Sherloc (09022015). Collection method: clinical testing. Allele origin: germline.
Comment: This sequence change creates a premature translational stop signal (p.Met14Ilefs*6) in the EIF2B1 gene. It is expected to result in an absent or disrupted protein product. Loss-of-function variants in EIF2B1 are known to be pathogenic (PMID: 11835386, 32865661). This variant is present in population databases (no rsID available, gnomAD 0.003%). This variant has not been reported in the literature in individuals affected with EIF2B1-related conditions. For these reasons, this variant has been classified as Pathogenic.

Literature cited by the submitters: PubMed 11835386; PubMed 32865661.